The following is an entry in ClinVar:

ClinVar aggregate classification (germline): Uncertain significance. Review status: criteria provided, multiple submitters, no conflicts (2 of 4 stars). 3 submissions from 3 submitters: Uncertain significance (3). Last evaluated 2024-11-23.

Conditions:
Cardiovascular phenotype. Identifiers: MedGen CN230736.

Allele frequency attached by ClinVar (database versions not stated): gnomAD exomes below 0.00001; ExAC 0.00001; gnomAD 0.00003 and 0.00005; TOPMed 0.00004.
gnomAD v4.1: 7 of 1,613,936 alleles (0.00043%); highest among the groups gnomAD compares: African/African-American, 0.0093%; no homozygotes.

Submissions (3):

Ambry Genetics
Classification: Uncertain significance for Cardiovascular phenotype. Last evaluated: 2024-11-23. Review status: criteria provided, single submitter. Criteria: Ambry Variant Classification Scheme 2023. Collection method: clinical testing. Allele origin: germline.
Comment: The p.P1003S variant (also known as c.3007C>T), located in coding exon 6 of the ALPK3 gene, results from a C to T substitution at nucleotide position 3007. The proline at codon 1003 is replaced by serine, an amino acid with similar properties. This amino acid position is conserved. In addition, this alteration is predicted to be tolerated by in silico analysis. Based on the available evidence, the clinical significance of this variant remains unclear.

Labcorp Genetics (formerly Invitae), Labcorp
Classification: Uncertain significance. Last evaluated: 2024-05-15. Review status: criteria provided, single submitter. Criteria: Invitae Variant Classification Sherloc (09022015). Collection method: clinical testing. Allele origin: germline.
Comment: This sequence change replaces proline, which is neutral and non-polar, with serine, which is neutral and polar, at codon 1003 of the ALPK3 protein (p.Pro1003Ser). This variant is present in population databases (rs775017533, gnomAD 0.007%). This variant has not been reported in the literature in individuals affected with ALPK3-related conditions. ClinVar contains an entry for this variant (Variation ID: 1501735). An algorithm developed to predict the effect of missense changes on protein structure and function (PolyPhen-2) suggests that this variant is likely to be tolerated. In summary, the available evidence is currently insufficient to determine the role of this variant in disease. Therefore, it has been classified as a Variant of Uncertain Significance.

GeneDx
Classification: Uncertain significance. Last evaluated: 2023-04-27. Review status: criteria provided, single submitter. Criteria: GeneDx Variant Classification Process June 2021. Collection method: clinical testing. Allele origin: germline. Affected: yes.
Comment: Not observed at significant frequency in large population cohorts (gnomAD); In silico analysis supports that this missense variant does not alter protein structure/function; Has not been previously published as pathogenic or benign to our knowledge

NM_020778.5(ALPK3):c.2401C>T (p.Pro801Ser)

Gene: ALPK3 (alpha kinase 3; plus strand). Cytogenetic location: 15q25.3.
Variant type: single nucleotide variant.
Coding change: c.2401C>T on transcript NM_020778.5 (MANE Select); coding-DNA position 2401, C replaced by T.
Protein change: p.Pro801Ser; replaces proline 801 with serine.
Molecular consequence: missense variant.
Genome position (GRCh38, 1-based): chr15:84,857,139, C>T. VCF-style: chr15-84857139-C-T. GRCh37 (hg19) VCF-style: chr15-85400370-C-T.
Other names: c.3007C>T (NM_020778.4); short protein forms P801S.
Identifiers: ClinVar variation 1501735 (VCV001501735.8), dbSNP rs775017533, ClinGen allele CA7709403.